The following is an entry in ClinVar:

NM_000245.4(MET):c.1247A>G (p.Tyr416Cys)

Gene: MET (MET proto-oncogene, receptor tyrosine kinase; plus strand). Cytogenetic location: 7q31.2.
Variant type: single nucleotide variant.
Coding change: c.1247A>G on transcript NM_000245.4 (MANE Select); coding-DNA position 1247, A replaced by G.
Protein change: p.Tyr416Cys; replaces tyrosine 416 with cysteine.
Molecular consequence: missense variant. On other transcripts: 5 prime UTR variant (1).
Genome position (GRCh38, 1-based): chr7:116,731,714, A>G. VCF-style: chr7-116731714-A-G. GRCh37 (hg19) VCF-style: chr7-116371768-A-G.
Other names: c.1247A>G, p.Tyr416Cys (NM_001127500.3, NM_001324401.3); c.-44A>G (NM_001324402.2); short protein forms Y416C.
Identifiers: ClinVar variation 5024378 (VCV005024378.1).

ClinVar aggregate classification (germline): Uncertain significance (1 of 4 stars; one submission).

Conditions:
Hereditary cancer-predisposing syndrome. Also called: Neoplastic Syndromes, Hereditary; Tumor predisposition; Hereditary neoplastic syndrome; Hereditary Cancer Syndrome. Identifiers: Orphanet 140162, MedGen C0027672, MeSH D009386, MONDO:0015356.

Submission:

Ambry Genetics
Classification: Uncertain significance for Hereditary cancer-predisposing syndrome. Last evaluated: 2026-07-07. Review status: criteria provided, single submitter. Criteria: Ambry Variant Classification Scheme 2023. Collection method: clinical testing. Allele origin: germline.
Comment: The p.Y416C variant (also known as c.1247A>G), located in coding exon 2 of the MET gene, results from an A to G substitution at nucleotide position 1247. The tyrosine at codon 416 is replaced by cysteine, an amino acid with highly dissimilar properties. This amino acid position is conserved. In addition, the in silico prediction for this alteration is inconclusive. Based on the available evidence, the clinical significance of this variant remains unclear.